The following is an entry in ClinVar:

ClinVar aggregate classification (germline): Benign/Likely benign. Review status: criteria provided, multiple submitters, no conflicts (2 of 4 stars). 9 submissions from 9 submitters: Benign (3); Likely benign (5). 1 of the submissions does not count toward it. Last evaluated 2026-08-01.

Conditions:
Behcet disease (BD). Also called: Behcet's syndrome; Behcet Syndrome. Identifiers: Orphanet 117, MedGen C0004943, MONDO:0007191, OMIM 109650, MeSH D001528.
Autoinflammatory syndrome. Identifiers: Orphanet 93665, MedGen C3890737, MONDO:0019751.
Pyogenic arthritis-pyoderma gangrenosum-acne syndrome (PAPA). Also called: PAPA SYNDROME; FAMILIAL RECURRENT ARTHRITIS. Identifiers: Orphanet 69126, MedGen C1858361, MONDO:0011462, OMIM 604416.

Allele frequency attached by ClinVar (database versions not stated): ESP Exome Variant Server 0.00033; gnomAD 0.00041 and 0.00078; TOPMed 0.00046; gnomAD exomes 0.00116 and 0.00166; 1000 Genomes Project 0.00260; 1000 Genomes Project 30x 0.00265; ExAC 0.00408.
gnomAD v4.1: 1,770 of 1,570,020 alleles (0.11%); highest among the groups gnomAD compares: South Asian, 1.1%; 9 homozygotes.

Submissions (9):

CeGaT Center for Human Genetics Tuebingen
Classification: Likely benign. Last evaluated: 2026-08-01. Review status: criteria provided, single submitter. Criteria: CeGaT Center For Human Genetics Tuebingen Variant Classification Criteria Version 2. Collection method: clinical testing. Allele origin: germline. Affected: yes. Observed: 6 variant alleles.
Comment: PSTPIP1: BS1

Labcorp Genetics (formerly Invitae), Labcorp
Classification: Benign for Pyogenic arthritis-pyoderma gangrenosum-acne syndrome. Last evaluated: 2026-01-31. Review status: criteria provided, single submitter. Criteria: Invitae Variant Classification Sherloc (09022015). Collection method: clinical testing. Allele origin: germline.

Blueprint Genetics
Classification: Likely benign. Last evaluated: 2024-11-26. Review status: criteria provided, single submitter. Criteria: ACMG Guidelines, 2015. Collection method: clinical testing. Allele origin: germline.

Mayo Clinic Laboratories, Mayo Clinic
Classification: Likely benign. Last evaluated: 2024-03-06. Review status: criteria provided, single submitter. Criteria: ACMG Guidelines, 2015. Collection method: clinical testing. Allele origin: germline. Observed: 5 variant alleles.
Comment: BS2, BP4

Genome Diagnostics Laboratory, The Hospital for Sick Children
Classification: Benign for Autoinflammatory syndrome. Last evaluated: 2022-03-04. Review status: criteria provided, single submitter. Criteria: ACMG Guidelines, 2015. Collection method: clinical testing. Allele origin: germline. Affected: yes.

ARUP Laboratories, Molecular Genetics and Genomics, ARUP Laboratories
Classification: Likely benign for Pyogenic arthritis-pyoderma gangrenosum-acne syndrome. Last evaluated: 2021-02-05. Review status: criteria provided, single submitter. Criteria: ARUP Molecular Germline Variant Investigation Process 2021. Collection method: clinical testing. Allele origin: germline.

GeneDx
Classification: Likely benign. Last evaluated: 2020-04-15. Review status: criteria provided, single submitter. Criteria: GeneDx Variant Classification Process June 2021. Collection method: clinical testing. Allele origin: germline. Affected: yes.
Comment: This variant is associated with the following publications: (PMID: 28814775)

Illumina Laboratory Services, Illumina
Classification: Benign for Pyogenic arthritis-pyoderma gangrenosum-acne syndrome. Last evaluated: 2018-01-13. Review status: criteria provided, single submitter. Criteria: ICSL Variant Classification Criteria 13 December 2019. Collection method: clinical testing. Allele origin: germline.
Comment: This variant was observed in the ICSL laboratory as part of a predisposition screen in an ostensibly healthy population. It had not been previously curated by ICSL or reported in the Human Gene Mutation Database (HGMD: prior to June 1st, 2018), and was therefore a candidate for classification through an automated scoring system. Utilizing variant allele frequency, disease prevalence and penetrance estimates, and inheritance mode, an automated score was calculated to assess if this variant is too frequent to cause the disease. Based on the score and internal cut-off values, a variant classified as benign is not then subjected to further curation. The score for this variant resulted in a classification of benign for this disease.

Department of Immunology, Hospital Universitario Virgen del Rocio
Classification: Pathogenic for Behcet disease. Last evaluated: 2017-01-18. Review status: no assertion criteria provided. Collection method: case-control. Allele origin: germline. Affected: yes. Observed: 2 variant alleles, 2 heterozygotes. Not counted in ClinVar's aggregate classification.

NM_003978.5(PSTPIP1):c.203C>T (p.Thr68Met)

Gene: PSTPIP1 (proline-serine-threonine phosphatase interacting protein 1; plus strand). Cytogenetic location: 15q24.3.
Variant type: single nucleotide variant.
Coding change: c.203C>T on transcript NM_003978.5 (MANE Select); coding-DNA position 203, C replaced by T.
Protein change: p.Thr68Met; replaces threonine 68 with methionine.
Molecular consequence: missense variant. On other transcripts: non-coding transcript variant (1).
Genome position (GRCh38, 1-based): chr15:77,018,522, C>T. VCF-style: chr15-77018522-C-T. GRCh37 (hg19) VCF-style: chr15-77310863-C-T.
Other names: c.203C>T, p.Thr68Met (NM_001321135.2); c.176C>T, p.Thr59Met (NM_001321136.2); c.398C>T, p.Thr133Met (NM_001321137.1); short protein forms T68M, T59M, T133M.
Identifiers: ClinVar variation 317171 (VCV000317171.53), dbSNP rs201872851, ClinGen allele CA7675732.